The following is an entry in ClinVar:

NM_001743.6(CALM2):c.-2G>C

Gene: CALM2 (calmodulin 2; minus strand). Cytogenetic location: 2p21.
Variant type: single nucleotide variant.
Coding change: c.-2G>C on transcript NM_001743.6 (MANE Select); 2 bases upstream of the start codon, G replaced by C.
Molecular consequence: 5 prime UTR variant. On other transcripts: missense variant (1), intron variant (1).
Genome position (GRCh38, 1-based): chr2:47,176,445, C>G on the plus strand (G>C on the coding strand, the complement: CALM2 is on the minus strand). VCF-style: chr2-47176445-C-G. GRCh37 (hg19) VCF-style: chr2-47403584-C-G.
Other names: c.97G>C, p.Ala33Pro (NM_001305624.1); c.-106+404G>C (NM_001305625.2); short protein forms A33P.
Identifiers: ClinVar variation 2447909 (VCV002447909.3), dbSNP rs748254242, ClinGen allele CA346722493.

ClinVar aggregate classification (germline): Uncertain significance. Review status: criteria provided, multiple submitters, no conflicts (2 of 4 stars). 2 submissions from 2 submitters: Uncertain significance (2). Last evaluated 2025-03-26.

Conditions:
Cardiovascular phenotype. Identifiers: MedGen CN230736.

gnomAD v4.1: 2 of 1,613,662 alleles (0.00012%); highest among the groups gnomAD compares: Non-Finnish European, 0.00017%; no homozygotes.

Submissions (2):

GeneDx
Classification: Uncertain significance. Last evaluated: 2025-03-26. Review status: criteria provided, single submitter. Criteria: GeneDx Variant Classification Process June 2021. Collection method: clinical testing. Allele origin: germline. Affected: yes.
Comment: Not observed at significant frequency in large population cohorts (gnomAD); Reported using an alternate transcript of the gene

Ambry Genetics
Classification: Uncertain significance for Cardiovascular phenotype. Last evaluated: 2023-01-23. Review status: criteria provided, single submitter. Criteria: Ambry Variant Classification Scheme 2023. Collection method: clinical testing. Allele origin: germline.
Comment: The c.-2G>C variant is located in the 5' untranslated region (5&rsquo; UTR) of the CALM2 gene. This variant results from a G to C substitution 2 nucleotides upstream from the first translated codon. This nucleotide position is highly conserved in available vertebrate species. Since supporting evidence is limited at this time, the clinical significance of this alteration remains unclear.